The following is an entry in ClinVar:

ClinVar aggregate classification (germline): Uncertain significance (1 of 4 stars; one submission).

Conditions:
Early-infantile DEE. Also called: Early infantile epileptic encephalopathy; Early infantile epileptic encephalopathy with suppression bursts; Ohtahara syndrome. Identifiers: Orphanet 1934, MedGen C0393706, MONDO:0800491.

gnomAD v4.1: 3 of 1,614,084 alleles (0.00019%); highest among the groups gnomAD compares: Admixed American, 0.0017%; no homozygotes.

Submission:

Labcorp Genetics (formerly Invitae), Labcorp
Classification: Uncertain significance for Early-infantile DEE. Last evaluated: 2025-10-01. Review status: criteria provided, single submitter. Criteria: Invitae Variant Classification Sherloc (09022015). Collection method: clinical testing. Allele origin: germline.
Comment: This sequence change replaces glycine, which is neutral and non-polar, with serine, which is neutral and polar, at codon 884 of the SCN1A protein (p.Gly884Ser). This variant is present in population databases (no rsID available, gnomAD 0.003%). This missense change has been observed in individual(s) with generalized epilepsy with febrile seizures, plus (PMID: 35944423). ClinVar contains an entry for this variant (Variation ID: 3710718). Invitae Evidence Modeling of protein sequence and biophysical properties (such as structural, functional, and spatial information, amino acid conservation, physicochemical variation, residue mobility, and thermodynamic stability) indicates that this missense variant is expected to disrupt SCN1A protein function with a positive predictive value of 95%. This variant disrupts the p.Gly884 amino acid residue in SCN1A. Other variant(s) that disrupt this residue have been observed in individuals with SCN1A-related conditions (PMID: 27236449), which suggests that this may be a clinically significant amino acid residue. In summary, the available evidence is currently insufficient to determine the role of this variant in disease. Therefore, it has been classified as a Variant of Uncertain Significance.

Literature cited by the submitters: PubMed 35944423; PubMed 27236449.

NM_001165963.4(SCN1A):c.2650G>A (p.Gly884Ser)

Gene: SCN1A (sodium voltage-gated channel alpha subunit 1; minus strand). Cytogenetic location: 2q24.3.
Variant type: single nucleotide variant.
Coding change: c.2650G>A on transcript NM_001165963.4 (MANE Select); coding-DNA position 2650, G replaced by A.
Protein change: p.Gly884Ser; replaces glycine 884 with serine.
Molecular consequence: missense variant. On other transcripts: non-coding transcript variant (1).
Genome position (GRCh38, 1-based): chr2:166,038,072, C>T on the plus strand (G>A on the coding strand, the complement: SCN1A is on the minus strand). VCF-style: chr2-166038072-C-T. GRCh37 (hg19) VCF-style: chr2-166894582-C-T.
Other names: c.2617G>A, p.Gly873Ser (NM_001353951.2, NM_001353952.2, NM_006920.6 and 2 more transcripts); c.2614G>A, p.Gly872Ser (NM_001353954.2, NM_001353955.2); c.2566G>A, p.Gly856Ser (NM_001353957.2, NM_001353958.2, NM_001165964.3); c.2563G>A, p.Gly855Ser (NM_001353960.2); c.208G>A, p.Gly70Ser (NM_001353961.2); c.2650G>A, p.Gly884Ser (NM_001202435.3, NM_001353948.2); short protein forms G70S, G856S, G884S, G872S, G855S, G873S.
Identifiers: ClinVar variation 3710718 (VCV003710718.2).